The following is an entry in ClinVar:

NM_001182.5(ALDH7A1):c.774-256C>G

Gene: ALDH7A1 (aldehyde dehydrogenase 7 family member A1; minus strand). Cytogenetic location: 5q23.2.
Variant type: single nucleotide variant.
Coding change: c.774-256C>G on transcript NM_001182.5 (MANE Select); 256 bases into the intron before coding-DNA position 774, C replaced by G.
Molecular consequence: intron variant.
Genome position (GRCh38, 1-based): chr5:126,568,612, G>C on the plus strand (C>G on the coding strand, the complement: ALDH7A1 is on the minus strand). VCF-style: chr5-126568612-G-C. GRCh37 (hg19) VCF-style: chr5-125904304-G-C.
Other names: c.774-256C>G (NM_001202404.2); c.690-256C>G (NM_001201377.2).
Identifiers: ClinVar variation 669017 (VCV000669017.1), dbSNP rs35290920, ClinGen allele CA126902240.
Genomic context (GRCh38, chr5:126,568,612, plus strand): 5'-GGCTAACCTGCTGTGAGCATTTGAATAGAAATCACCTAGAGGAAGTTGTTAGGGAAGAAA[G>C]TCTTTCCTATACTGAGTGAGTGACTGGACAATATGATCTTAGCATTTCCTTGCTGAGCAT-3'

ClinVar aggregate classification (germline): Benign (1 of 4 stars; one submission).

Allele frequency attached by ClinVar (database versions not stated): 1000 Genomes Project 30x 0.03826; 1000 Genomes Project 0.04014; TOPMed 0.05101; gnomAD 0.05376 and 0.05475; gnomAD exomes 0.07306.

Submission:

GeneDx
Classification: Benign. Last evaluated: 2018-06-19. Review status: criteria provided, single submitter. Criteria: GeneDx Variant Classification (06012015). Collection method: clinical testing. Allele origin: germline. Affected: yes.
Comment: This variant is considered likely benign or benign based on one or more of the following criteria: it is a conservative change, it occurs at a poorly conserved position in the protein, it is predicted to be benign by multiple in silico algorithms, and/or has population frequency not consistent with disease.